The following is an entry in ClinVar:

ClinVar aggregate classification (germline): Uncertain significance (1 of 4 stars; one submission).

Conditions:
Hereditary breast ovarian cancer syndrome. Also called: Hereditary breast and ovarian cancer syndrome; Hereditary breast and ovarian cancer syndrome (HBOC); BRCA1- and BRCA2-Associated Hereditary Breast and Ovarian Cancer; Hereditary breast and ovarian cancer; Breast and ovarian cancer; Hereditary breast and/or ovarian cancer syndrome. Identifiers: Orphanet 145, MedGen C0677776, MeSH D061325, MONDO:0003582. Disease mechanism: loss of function.

gnomAD v4.1: 1 of 1,614,112 alleles (0.000062%); highest among the groups gnomAD compares: Admixed American, 0.0017%; no homozygotes.

Submission:

Labcorp Genetics (formerly Invitae), Labcorp
Classification: Uncertain significance for Hereditary breast ovarian cancer syndrome. Last evaluated: 2024-07-09. Review status: criteria provided, single submitter. Criteria: Invitae Variant Classification Sherloc (09022015). Collection method: clinical testing. Allele origin: germline.
Comment: This sequence change replaces proline, which is neutral and non-polar, with alanine, which is neutral and non-polar, at codon 2649 of the BRCA2 protein (p.Pro2649Ala). This variant is not present in population databases (gnomAD no frequency). This variant has not been reported in the literature in individuals affected with BRCA2-related conditions. Advanced modeling of protein sequence and biophysical properties (such as structural, functional, and spatial information, amino acid conservation, physicochemical variation, residue mobility, and thermodynamic stability) performed at Invitae indicates that this missense variant is not expected to disrupt BRCA2 protein function with a negative predictive value of 95%. In summary, the available evidence is currently insufficient to determine the role of this variant in disease. Therefore, it has been classified as a Variant of Uncertain Significance.

NM_000059.4(BRCA2):c.7945C>G (p.Pro2649Ala)

Gene: BRCA2 (BRCA2 DNA repair associated; plus strand). Cytogenetic location: 13q13.1.
Variant type: single nucleotide variant.
Coding change: c.7945C>G on transcript NM_000059.4 (MANE Select); coding-DNA position 7945, C replaced by G.
Protein change: p.Pro2649Ala; replaces proline 2649 with alanine.
Molecular consequence: missense variant. On other transcripts: non-coding transcript variant (1).
Genome position (GRCh38, 1-based): chr13:32,362,662, C>G. VCF-style: chr13-32362662-C-G. GRCh37 (hg19) VCF-style: chr13-32936799-C-G.
Other names: c.7849C>G, p.Pro2617Ala (NM_001406719.1); c.7945C>G, p.Pro2649Ala (NM_001406720.1, NM_001432077.1); c.3013C>G, p.Pro1005Ala (NM_001406721.1); c.1528C>G, p.Pro510Ala (NM_001406722.1); short protein forms P1005A, P2617A, P2649A, P510A.
Identifiers: ClinVar variation 3636528 (VCV003636528.2).